The following is an entry in ClinVar:

ClinVar aggregate classification (germline): Benign. Review status: criteria provided, multiple submitters, no conflicts (2 of 4 stars). 17 submissions from 15 submitters: Benign (10). 7 of the submissions do not count toward it. Last evaluated 2026-02-04.

Conditions:
KIF7-related disorder. Also called: KIF7-related condition.
Multiple epiphyseal dysplasia, Al-Gazali type. Also called: Macrocephaly with multiple epiphyseal dysplasia and distinctive facies. Identifiers: Orphanet 166024, MedGen C1846722, MONDO:0011778, OMIM 607131.
Hydrolethalus syndrome 2 (HLS2). Identifiers: Orphanet 2189, MedGen C3279899, MONDO:0013585, OMIM 614120.
Acrocallosal syndrome (ACLS). Also called: Schinzel syndrome 1; Absence of corpus callosum with unusual facial appearance, mental deficiency, duplication of the halluces and polydactyly; HALLUX DUPLICATION, POSTAXIAL POLYDACTYLY, AND ABSENCE OF CORPUS CALLOSUM. Identifiers: Orphanet 36, MedGen C0796147, MONDO:0008708, OMIM 200990.

Allele frequency attached by ClinVar (database versions not stated): ExAC 0.89122; 1000 Genomes Project 0.86142; gnomAD exomes 0.90104 and 0.85510; gnomAD 0.90740 and 0.90195; 1000 Genomes Project 30x 0.86633; TOPMed 0.89623; ESP Exome Variant Server 0.92301.
gnomAD v4.1: 1,376,734 of 1,528,112 alleles (90%); highest among the groups gnomAD compares: African/African-American, 96%; 622,120 homozygotes.

Submissions (17):

Labcorp Genetics (formerly Invitae), Labcorp
Classification: Benign for Acrocallosal syndrome. Last evaluated: 2026-02-04. Review status: criteria provided, single submitter. Criteria: Invitae Variant Classification Sherloc (09022015). Collection method: clinical testing. Allele origin: germline.

Blueprint Genetics
Classification: Benign. Last evaluated: 2024-11-28. Review status: criteria provided, single submitter. Criteria: ACMG Guidelines, 2015. Collection method: clinical testing. Allele origin: germline.

Mayo Clinic Laboratories, Mayo Clinic
Classification: Benign. Last evaluated: 2022-03-09. Review status: criteria provided, single submitter. Criteria: ACMG Guidelines, 2015. Collection method: clinical testing. Allele origin: germline. Observed: 75 variant alleles.

Genome-Nilou Lab
Classification: Benign for Multiple epiphyseal dysplasia, Al-Gazali type. Last evaluated: 2021-08-19. Review status: criteria provided, single submitter. Criteria: ACMG Guidelines, 2015. Collection method: clinical testing. Allele origin: germline. Affected: no.

Genome-Nilou Lab
Classification: Benign for Hydrolethalus syndrome 2. Last evaluated: 2021-08-19. Review status: criteria provided, single submitter. Criteria: ACMG Guidelines, 2015. Collection method: clinical testing. Allele origin: germline. Affected: no.

Genome-Nilou Lab
Classification: Benign for Acrocallosal syndrome. Last evaluated: 2021-08-19. Review status: criteria provided, single submitter. Criteria: ACMG Guidelines, 2015. Collection method: clinical testing. Allele origin: germline. Affected: no.

Eurofins Ntd Llc (ga)
Classification: Benign. Last evaluated: 2018-03-29. Review status: criteria provided, single submitter. Criteria: EGL ClinVar v180209 classification definitions. Collection method: clinical testing. Allele origin: germline. Observed: 271 variant alleles, 35 heterozygotes, 236 homozygotes.

Illumina Laboratory Services, Illumina
Classification: Benign for Acrocallosal syndrome. Last evaluated: 2018-01-13. Review status: criteria provided, single submitter. Criteria: ICSL Variant Classification Criteria 13 December 2019. Collection method: clinical testing. Allele origin: germline.
Comment: This variant was observed in the ICSL laboratory as part of a predisposition screen in an ostensibly healthy population. It had not been previously curated by ICSL or reported in the Human Gene Mutation Database (HGMD: prior to June 1st, 2018), and was therefore a candidate for classification through an automated scoring system. Utilizing variant allele frequency, disease prevalence and penetrance estimates, and inheritance mode, an automated score was calculated to assess if this variant is too frequent to cause the disease. Based on the score and internal cut-off values, a variant classified as benign is not then subjected to further curation. The score for this variant resulted in a classification of benign for this disease.

GeneDx
Classification: Benign. Last evaluated: 2015-03-03. Review status: criteria provided, single submitter. Criteria: GeneDx Variant Classification Process June 2021. Collection method: clinical testing. Allele origin: germline. Affected: yes.

Breakthrough Genomics
Classification: Benign. Review status: criteria provided, single submitter. Criteria: ACMG Guidelines, 2015. Collection method: not provided. Allele origin: germline. Inheritance: Autosomal recessive inheritance. Affected: yes.

PreventionGenetics, part of Exact Sciences
Classification: Benign for KIF7-related condition. Last evaluated: 2022-09-09. Review status: no assertion criteria provided. Collection method: clinical testing. Allele origin: germline. Not counted in ClinVar's aggregate classification.
Comment: This variant is classified as benign based on ACMG/AMP sequence variant interpretation guidelines (Richards et al. 2015 PMID: 25741868, with internal and published modifications).

Clinical Genetics DNA and cytogenetics Diagnostics Lab, Erasmus MC, Erasmus Medical Center
Classification: Benign. Review status: no assertion criteria provided. Collection method: clinical testing. Allele origin: germline. Affected: yes. Study: VKGL Data-share Consensus. Not counted in ClinVar's aggregate classification.

Clinical Genetics, Academic Medical Center
Classification: Benign. Review status: no assertion criteria provided. Collection method: clinical testing. Allele origin: germline. Affected: yes. Study: VKGL Data-share Consensus. Not counted in ClinVar's aggregate classification.

Diagnostic Laboratory, Department of Genetics, University Medical Center Groningen
Classification: Benign. Review status: no assertion criteria provided. Collection method: clinical testing. Allele origin: germline. Affected: yes. Study: VKGL Data-share Consensus. Not counted in ClinVar's aggregate classification.

Genetic Services Laboratory, University of Chicago
Classification: Likely benign for AllHighlyPenetrant. Review status: no assertion criteria provided. Collection method: clinical testing. Allele origin: germline. Inheritance: Autosomal recessive inheritance. Not counted in ClinVar's aggregate classification.
Comment: Likely benign based on allele frequency in 1000 Genomes Project or ESP global frequency and its presence in a patient with a rare or unrelated disease phenotype. NOT Sanger confirmed.

Genome Diagnostics Laboratory, University Medical Center Utrecht
Classification: Benign. Review status: no assertion criteria provided. Collection method: clinical testing. Allele origin: germline. Affected: yes. Study: VKGL Data-share Consensus. Not counted in ClinVar's aggregate classification.

Joint Genome Diagnostic Labs from Nijmegen and Maastricht, Radboudumc and MUMC+
Classification: Benign. Review status: no assertion criteria provided. Collection method: clinical testing. Allele origin: germline. Affected: yes. Study: VKGL Data-share Consensus. Not counted in ClinVar's aggregate classification.

NM_198525.3(KIF7):c.1102A>G (p.Thr368Ala)

Gene: KIF7 (kinesin family member 7; minus strand). Cytogenetic location: 15q26.1.
Variant type: single nucleotide variant.
Coding change: c.1102A>G on transcript NM_198525.3 (MANE Select); coding-DNA position 1102, A replaced by G.
Protein change: p.Thr368Ala; replaces threonine 368 with alanine.
Molecular consequence: missense variant.
Genome position (GRCh38, 1-based): chr15:89,648,596, T>C on the plus strand (A>G on the coding strand, the complement: KIF7 is on the minus strand). VCF-style: chr15-89648596-T-C. GRCh37 (hg19) VCF-style: chr15-90191827-T-C.
Other names: short protein forms T368A.
Identifiers: ClinVar variation 96649 (VCV000096649.35), dbSNP rs8037349, ClinGen allele CA020177.